The following is an entry in ClinVar:

NM_014112.5(TRPS1):c.2788T>C (p.Cys930Arg)

Gene: TRPS1 (transcriptional repressor GATA binding 1; minus strand). Cytogenetic location: 8q23.3.
Variant type: single nucleotide variant.
Coding change: c.2788T>C on transcript NM_014112.5 (MANE Select); coding-DNA position 2788, T replaced by C.
Protein change: p.Cys930Arg; replaces cysteine 930 with arginine.
Molecular consequence: missense variant.
Genome position (GRCh38, 1-based): chr8:115,418,365, A>G on the plus strand (T>C on the coding strand, the complement: TRPS1 is on the minus strand). VCF-style: chr8-115418365-A-G. GRCh37 (hg19) VCF-style: chr8-116430593-A-G.
Other names: c.2761T>C, p.Cys921Arg (NM_001282902.3); c.2767T>C, p.Cys923Arg (NM_001282903.3); c.2749T>C, p.Cys917Arg (NM_001330599.2); short protein forms C921R, C930R, C923R, C917R.
Identifiers: ClinVar variation 969859 (VCV000969859.3), dbSNP rs1812971696, ClinGen allele CA372064244.
Genomic context (GRCh38, chr8:115,418,365, plus strand): 5'-CTGAAAGAGTGGAACAAGTTCTTACCGAGTGAAGCTTCTGGTAGAGGCCACACGCGTTGC[A>G]TACATATCCGCCATTTGCATTCTTTCGCCAGAGAGAGGTCTTTGTGGTCAGGCAATTGGC-3'
Protein context (NP_054831.2, residues 920-940): WRKNANGGYV[Cys930Arg]NACGLYQKLH

ClinVar aggregate classification (germline): Uncertain significance. Review status: criteria provided, multiple submitters, no conflicts (2 of 4 stars). 2 submissions from 2 submitters: Uncertain significance (2). Last evaluated 2020-07-27.

Conditions:
Trichorhinophalangeal dysplasia type I (TRPS1). Also called: TRICHORHINOPHALANGEAL SYNDROME, TYPE I; TRPS I. Identifiers: Orphanet 77258, MedGen C0432233, MONDO:0008596, OMIM 190350.
Trichorhinophalangeal syndrome, type III (TRPS3). Also called: SUGIO-KAJII SYNDROME. Identifiers: Orphanet 77258, MedGen C1860823, OMIM 190351, MONDO:0008597.

Submissions (2):

GeneDx
Classification: Uncertain significance. Last evaluated: 2020-07-27. Review status: criteria provided, single submitter. Criteria: GeneDx Variant Classification Process June 2021. Collection method: clinical testing. Allele origin: germline. Affected: yes.
Comment: Has not been previously published as pathogenic or benign to our knowledge; Not observed in large population cohorts (Lek et al., 2016); In silico analysis, which includes protein predictors and evolutionary conservation, supports a deleterious effect

Labcorp Genetics (formerly Invitae), Labcorp
Classification: Uncertain significance for Trichorhinophalangeal syndrome, type III; Trichorhinophalangeal dysplasia type I. Last evaluated: 2019-11-10. Review status: criteria provided, single submitter. Criteria: Invitae Variant Classification Sherloc (09022015). Collection method: clinical testing. Allele origin: germline.
Comment: This sequence change replaces cysteine with arginine at codon 930 of the TRPS1 protein (p.Cys930Arg). The cysteine residue is highly conserved and there is a large physicochemical difference between cysteine and arginine. This variant is not present in population databases (ExAC no frequency). This variant has not been reported in the literature in individuals with TRPS1-related conditions. Algorithms developed to predict the effect of missense changes on protein structure and function (SIFT, PolyPhen-2, Align-GVGD) all suggest that this variant is likely to be disruptive, but these predictions have not been confirmed by published functional studies and their clinical significance is uncertain. In summary, the available evidence is currently insufficient to determine the role of this variant in disease. Therefore, it has been classified as a Variant of Uncertain Significance.